The following is an entry in ClinVar:

ClinVar aggregate classification (germline): Pathogenic/Likely pathogenic. Review status: criteria provided, multiple submitters, no conflicts (2 of 4 stars). 6 submissions from 6 submitters: Pathogenic (3); Likely pathogenic (2). 1 of the submissions does not count toward it. Last evaluated 2025-10-03.

Conditions:
Autism (AUTS). Also called: Autistic disorder; Autistic disorder of childhood onset. Identifiers: MedGen C0004352, MeSH D001321, MONDO:0005260, OMIM 209850, HP:0000717.
Seizure. Also called: Seizures. Identifiers: MedGen C0036572, HP:0001250.
Centronuclear myopathy (CNM). Also called: Myotubular myopathy; Centronuclear myopathy, congenital. Identifiers: Orphanet 595, MedGen C0175709, MONDO:0018947. Inheritance: All.
Lethal multiple pterygium syndrome (LMPS). Identifiers: Orphanet 33108, MedGen C1854678, MONDO:0009668, OMIM 253290.

Allele frequency attached by ClinVar (database versions not stated): gnomAD exomes 0.00002 and 0.00004; ExAC 0.00004; gnomAD 0.00004; TOPMed 0.00007.
gnomAD v4.1: 32 of 1,613,956 alleles (0.002%); highest among the groups gnomAD compares: Admixed American, 0.015%; no homozygotes.

Submissions (6):

Labcorp Genetics (formerly Invitae), Labcorp
Classification: Pathogenic for Lethal multiple pterygium syndrome. Last evaluated: 2025-10-03. Review status: criteria provided, single submitter. Criteria: Invitae Variant Classification Sherloc (09022015). Collection method: clinical testing. Allele origin: germline.
Comment: This sequence change replaces glycine, which is neutral and non-polar, with arginine, which is basic and polar, at codon 441 of the CHRNA1 protein (p.Gly441Arg). This variant is present in population databases (rs768407867, gnomAD 0.03%). This missense change has been observed in individual(s) with autosomal recessive severe congenital myasthenic syndrome (PMID: 24121633, 27748205; internal data). In at least one individual the data is consistent with being in trans (on the opposite chromosome) from a pathogenic variant. It has also been observed to segregate with disease in related individuals. This variant is also known as p.Gly421Arg and p.Gly466Arg. ClinVar contains an entry for this variant (Variation ID: 449923). Invitae Evidence Modeling of protein sequence and biophysical properties (such as structural, functional, and spatial information, amino acid conservation, physicochemical variation, residue mobility, and thermodynamic stability) indicates that this missense variant is expected to disrupt CHRNA1 protein function with a positive predictive value of 80%. Experimental studies have shown that this missense change affects CHRNA1 function (PMID: 24121633). For these reasons, this variant has been classified as Pathogenic.

GeneDx
Classification: Pathogenic. Last evaluated: 2025-03-30. Review status: criteria provided, single submitter. Criteria: GeneDx Variant Classification Process June 2021. Collection method: clinical testing. Allele origin: germline. Affected: yes.
Comment: Published functional studies demonstrate reduced expression as compared to wild-type protein (PMID: 24121633); In silico analysis supports that this missense variant has a deleterious effect on protein structure/function; This variant is associated with the following publications: (PMID: 27748205, 24121633, 34749429, 36007526, 37432431, 39677241)

Muscle and Diseases Team, Institut de Génétique et Biologie Moléculaire et Cellulaire
Classification: Pathogenic for Centronuclear myopathy. Last evaluated: 2024-03-01. Review status: criteria provided, single submitter. Criteria: ACMG Guidelines, 2015. Collection method: research. Allele origin: biparental. Affected: yes. Observed: 1 variant allele.
Comment: PS3+PM1+PM2+PP2+PP3+PP4+PP5

Revvity Omics, Revvity
Classification: Likely pathogenic. Last evaluated: 2022-04-28. Review status: criteria provided, single submitter. Criteria: ACMG Guidelines, 2015. Collection method: clinical testing. Allele origin: germline.

Athena Diagnostics
Classification: Likely pathogenic. Last evaluated: 2021-10-08. Review status: criteria provided, single submitter. Criteria: Athena Diagnostics Criteria. Collection method: clinical testing. Allele origin: unknown.
Comment: This variant appears to segregate with disease in at least one family (PMID: 27748205). Assessment of experimental evidence suggests this variant results in abnormal protein function (PMID: 24121633). The frequency of this variant in the general population is consistent with pathogenicity.This observation is not an independent occurrence and has been identified in the same individual by RCIGM, the other laboratory participating in the GEMINI study.

Clinical Molecular Genetics Laboratory, Johns Hopkins All Children's Hospital
Classification: Pathogenic for autism; seizures. Last evaluated: 2017-03-24. Review status: no assertion criteria provided. Collection method: clinical testing. Allele origin: germline. Affected: yes. Not counted in ClinVar's aggregate classification.

Literature cited by the submitters: PubMed 24121633 (cited by Labcorp Genetics (formerly Invitae), Labcorp); PubMed 27748205 (cited by Labcorp Genetics (formerly Invitae), Labcorp); DOI 10.1186/s13073-024-01353-0 (cited by Muscle and Diseases Team, Institut de Génétique et Biologie Moléculaire et Cellulaire).

NM_000079.4(CHRNA1):c.1321G>A (p.Gly441Arg)

Gene: CHRNA1 (cholinergic receptor nicotinic alpha 1 subunit; minus strand). Cytogenetic location: 2q31.1.
Variant type: single nucleotide variant.
Coding change: c.1321G>A on transcript NM_000079.4 (MANE Select); coding-DNA position 1321, G replaced by A.
Protein change: p.Gly441Arg; replaces glycine 441 with arginine.
Molecular consequence: missense variant.
Genome position (GRCh38, 1-based): chr2:174,748,177, C>T on the plus strand (G>A on the coding strand, the complement: CHRNA1 is on the minus strand). VCF-style: chr2-174748177-C-T. GRCh37 (hg19) VCF-style: chr2-175612905-C-T.
Other names: c.1396G>A, p.Gly466Arg (NM_001039523.3); short protein forms G441R, G466R.
Identifiers: ClinVar variation 449923 (VCV000449923.23), dbSNP rs768407867, ClinGen allele CA1974303.
Genomic context (GRCh38, chr2:174,748,177, plus strand): 5'-TTTCTGCTCATCCTTGCTGATTTAATTCAATGAGTCGACCTGCAAACACGGCTAGGGTTC[C>T]GATGATGCAAACAAGCATGAAGACTCCGAGGAGTATGTGGTCCATCACCATTGCAACGTA-3'
Protein context (NP_000070.1, residues 431-451): LGVFMLVCII[Gly441Arg]TLAVFAGRLI